The following is an entry in ClinVar:

NM_003002.4(SDHD):c.315-1594C>T

Gene: SDHD (succinate dehydrogenase complex subunit D; plus strand). Cytogenetic location: 11q23.1.
Variant type: single nucleotide variant.
Coding change: c.315-1594C>T on transcript NM_003002.4 (MANE Select); 1594 bases into the intron before coding-DNA position 315, C replaced by T.
Molecular consequence: intron variant. On other transcripts: splice donor variant (1).
Genome position (GRCh38, 1-based): chr11:112,093,211, C>T. VCF-style: chr11-112093211-C-T. GRCh37 (hg19) VCF-style: chr11-111963935-C-T.
Other names: c.*12+2C>T (NM_001276506.2); c.170-1594C>T (NM_001276503.2); c.198-1594C>T (NM_001276504.2).
Identifiers: ClinVar variation 3316915 (VCV003316915.1).

ClinVar aggregate classification (germline): Uncertain significance (1 of 4 stars; one submission).

Conditions:
Hereditary cancer-predisposing syndrome. Also called: Neoplastic Syndromes, Hereditary; Tumor predisposition; Hereditary neoplastic syndrome; Hereditary Cancer Syndrome. Identifiers: Orphanet 140162, MedGen C0027672, MeSH D009386, MONDO:0015356.

Submission:

Ambry Genetics
Classification: Uncertain significance for Hereditary cancer-predisposing syndrome. Last evaluated: 2024-04-08. Review status: criteria provided, single submitter. Criteria: Ambry Variant Classification Scheme 2023. Collection method: clinical testing. Allele origin: germline.
Comment: The c.315-1594C>T intronic variant results from a C to T substitution 1594 nucleotides upstream from coding exon 4 in the SDHD gene. This nucleotide position is highly conserved in available vertebrate species. In silico splice site analysis predicts that this alteration will result in the creation or strengthening of a novel splice donor site. RNA studies have demonstrated that this alteration results in a splice defect; the clinical impact of this abnormal splicing is unknown at this time (Ambry internal data). Based on the available evidence, the clinical significance of this variant remains unclear.